The following is an entry in ClinVar:

ClinVar aggregate classification (germline): Uncertain significance (1 of 4 stars; one submission).

Conditions:
SUDDEN INFANT DEATH SYNDROME (SIDS). Also called: Sudden Infant Death. Identifiers: MedGen C0038644, MeSH D013398, OMIM 272120.

Submission:

Robert's Program, Boston Children's Hospital
Classification: Uncertain significance for SUDDEN INFANT DEATH SYNDROME. Last evaluated: 2021-10-01. Review status: criteria provided, single submitter. Criteria: ACMG Guidelines, 2015. Collection method: research. Allele origin: germline. Affected: yes.
Comment: We classify this variant as a variant of uncertain significance using ACMG/AMP criteria. As this variant is a deleterious splicing variant, we suspect this variant is favoring pathogenic.

NM_001347721.2(DYRK1A):c.1501A>G (p.Ser501Gly)

Gene: DYRK1A (dual specificity tyrosine phosphorylation regulated kinase 1A; plus strand). Cytogenetic location: 21q22.13.
Variant type: single nucleotide variant.
Coding change: c.1501A>G on transcript NM_001347721.2 (MANE Select); coding-DNA position 1501, A replaced by G.
Protein change: p.Ser501Gly; replaces serine 501 with glycine.
Molecular consequence: missense variant.
Genome position (GRCh38, 1-based): chr21:37,505,571, A>G. VCF-style: chr21-37505571-A-G. GRCh37 (hg19) VCF-style: chr21-38877874-A-G.
Other names: c.1501A>G, p.Ser501Gly (NM_001347722.2, NM_130436.2); c.1414A>G, p.Ser472Gly (NM_001347723.2); c.1528A>G, p.Ser510Gly (NM_001396.5, NM_101395.2, NM_130438.2); short protein forms S472G, S501G, S510G.
Identifiers: ClinVar variation 1327138 (VCV001327138.2), dbSNP rs2148650316, ClinGen allele CA409938735.